The following is an entry in ClinVar:

ClinVar aggregate classification (germline): Conflicting classifications of pathogenicity. Review status: criteria provided, conflicting classifications (1 of 4 stars). 5 submissions from 5 submitters: Pathogenic (1); Likely pathogenic (1); Uncertain significance (1). 2 of the submissions do not count toward it. Last evaluated 2023-07-13.

Conditions:
Periventricular nodular heterotopia 9. Identifiers: MedGen C5394503, MONDO:0030061, OMIM 618918.
Periventricular nodular heterotopia (PVNH). Identifiers: Orphanet 98892, MedGen C1868720, MeSH D054091, MONDO:0020341, HP:0032388.
MAP1B-related disorder. Also called: MAP1B-related condition.

Submissions (5):

GeneDx
Classification: Pathogenic. Last evaluated: 2023-07-13. Review status: criteria provided, single submitter. Criteria: GeneDx Variant Classification Process June 2021. Collection method: clinical testing. Allele origin: germline. Affected: yes.
Comment: Nonsense variant predicted to result in protein truncation or nonsense mediated decay in a gene for which loss of function is a known mechanism of disease; Not observed at significant frequency in large population cohorts (gnomAD); This variant is associated with the following publications: (PMID: 30150678, 29738522)

Blueprint Genetics
Classification: Likely pathogenic for MAP1B-related disorders. Last evaluated: 2022-09-26. Review status: criteria provided, single submitter. Criteria: ACMG Guidelines, 2015. Collection method: clinical testing. Allele origin: germline. Affected: yes. Observed: 1 variant allele.

Centre for Mendelian Genomics, University Medical Centre Ljubljana
Classification: Uncertain significance for Periventricular nodular heterotopia 9. Last evaluated: 2020-03-24. Review status: criteria provided, single submitter. Criteria: ACMG Guidelines, 2015. Collection method: clinical testing. Allele origin: unknown. Affected: yes.
Comment: This variant was classified as: Uncertain significance. The available evidence favors the pathogenic nature of this variant, however the currently available data is insufficient to conclusively support its pathogenic nature. Thus this variant is classified as Uncertain significance - favor pathogenic. The following ACMG criteria were applied in classifying this variant: PM2.

OMIM
Classification: Pathogenic for PERIVENTRICULAR NODULAR HETEROTOPIA 9. Last evaluated: 2020-07-01. Review status: no assertion criteria provided. Collection method: literature only. Allele origin: germline. Not counted in ClinVar's aggregate classification.

Epi4K Consortium
Classification: Likely pathogenic for Periventricular Nodular Heterotopia. Last evaluated: 2018-01-01. Review status: no assertion criteria provided. Collection method: research. Allele origin: inherited. Affected: yes. Observed: 2 variant alleles. Study: Epi4K. Not counted in ClinVar's aggregate classification.

Literature cited by the submitters: PubMed 29738522 (cited by OMIM).

NM_005909.5(MAP1B):c.3316C>T (p.Arg1106Ter)

Gene: MAP1B (microtubule associated protein 1B; plus strand). Cytogenetic location: 5q13.2.
Variant type: single nucleotide variant.
Coding change: c.3316C>T on transcript NM_005909.5 (MANE Select); coding-DNA position 3316, C replaced by T.
Protein change: p.Arg1106Ter; replaces arginine 1106 with a stop codon.
Molecular consequence: nonsense.
Genome position (GRCh38, 1-based): chr5:72,196,671, C>T. VCF-style: chr5-72196671-C-T. GRCh37 (hg19) VCF-style: chr5-71492498-C-T.
Other names: c.2938C>T, p.Arg980Ter (NM_001324255.2); short protein forms R1106*, R980*.
Identifiers: ClinVar variation 548634 (VCV000548634.7), dbSNP rs1554055106, ClinGen allele CA360010916.